The following is an entry in ClinVar:

NM_001253697.2(ERBIN):c.4013G>A (p.Gly1338Asp)

Gene: ERBIN (erbb2 interacting protein; plus strand). Cytogenetic location: 5q12.3.
Variant type: single nucleotide variant.
Coding change: c.4013G>A on transcript NM_001253697.2 (MANE Select); coding-DNA position 4013, G replaced by A.
Protein change: p.Gly1338Asp; replaces glycine 1338 with aspartic acid.
Molecular consequence: missense variant.
Genome position (GRCh38, 1-based): chr5:66,076,365, G>A. VCF-style: chr5-66076365-G-A. GRCh37 (hg19) VCF-style: chr5-65372193-G-A.
Other names: c.3683G>A, p.Gly1228Asp (NM_001006600.3); c.3890G>A, p.Gly1297Asp (NM_001253698.2, NM_018695.4); c.4034G>A, p.Gly1345Asp (NM_001253699.2); c.3878G>A, p.Gly1293Asp (NM_001253701.2); short protein forms G1338D, G1345D, G1293D, G1228D, G1297D.
Identifiers: ClinVar variation 2822665 (VCV002822665.3), dbSNP rs780344701, ClinGen allele CA359871465.

ClinVar aggregate classification (germline): Uncertain significance (1 of 4 stars; one submission).

Submission:

Labcorp Genetics (formerly Invitae), Labcorp
Classification: Uncertain significance. Last evaluated: 2024-10-14. Review status: criteria provided, single submitter. Criteria: Invitae Variant Classification Sherloc (09022015). Collection method: clinical testing. Allele origin: germline.
Comment: This sequence change replaces glycine, which is neutral and non-polar, with aspartic acid, which is acidic and polar, at codon 1338 of the ERBIN protein (p.Gly1338Asp). This variant is not present in population databases (gnomAD no frequency). This variant has not been reported in the literature in individuals affected with ERBIN-related conditions. An algorithm developed to predict the effect of missense changes on protein structure and function (PolyPhen-2) suggests that this variant is likely to be disruptive. In summary, the available evidence is currently insufficient to determine the role of this variant in disease. Therefore, it has been classified as a Variant of Uncertain Significance.